The following is an entry in ClinVar:

ClinVar aggregate classification (germline): Uncertain significance (1 of 4 stars; one submission).

Conditions:
Kabuki syndrome. Also called: NIIKAWA-KUROKI SYNDROME; Kabuki make-up syndrome. Identifiers: Orphanet 2322, MedGen C0796004, MONDO:0016512.

gnomAD v4.1: 1 of 1,612,798 alleles (0.000062%); highest among the groups gnomAD compares: African/African-American, 0.0013%; no homozygotes.

Submission:

Labcorp Genetics (formerly Invitae), Labcorp
Classification: Uncertain significance for Kabuki syndrome. Last evaluated: 2025-11-06. Review status: criteria provided, single submitter. Criteria: Invitae Variant Classification Sherloc (09022015). Collection method: clinical testing. Allele origin: germline.
Comment: This sequence change replaces proline, which is neutral and non-polar, with leucine, which is neutral and non-polar, at codon 4216 of the KMT2D protein (p.Pro4216Leu). This variant is not present in population databases (gnomAD no frequency). This variant has not been reported in the literature in individuals affected with KMT2D-related conditions. Invitae Evidence Modeling of protein sequence and biophysical properties (such as structural, functional, and spatial information, amino acid conservation, physicochemical variation, residue mobility, and thermodynamic stability) indicates that this missense variant is not expected to disrupt KMT2D protein function with a negative predictive value of 95%. In summary, the available evidence is currently insufficient to determine the role of this variant in disease. Therefore, it has been classified as a Variant of Uncertain Significance.

NM_003482.4(KMT2D):c.12647C>T (p.Pro4216Leu)

Gene: KMT2D (lysine methyltransferase 2D; minus strand). Cytogenetic location: 12q13.12.
Variant type: single nucleotide variant.
Coding change: c.12647C>T on transcript NM_003482.4 (MANE Select); coding-DNA position 12647, C replaced by T.
Protein change: p.Pro4216Leu; replaces proline 4216 with leucine.
Molecular consequence: missense variant.
Genome position (GRCh38, 1-based): chr12:49,032,058, G>A on the plus strand (C>T on the coding strand, the complement: KMT2D is on the minus strand). VCF-style: chr12-49032058-G-A. GRCh37 (hg19) VCF-style: chr12-49425841-G-A.
Other names: short protein forms P4216L.
Identifiers: ClinVar variation 4801192 (VCV004801192.1).